The following is an entry in ClinVar:

ClinVar aggregate classification (germline): Uncertain significance (1 of 4 stars; one submission).

Submission:

Women's Health and Genetics/Laboratory Corporation of America, LabCorp
Classification: Uncertain significance. Last evaluated: 2023-06-06. Review status: criteria provided, single submitter. Criteria: LabCorp Variant Classification Summary - May 2015. Collection method: clinical testing. Allele origin: germline.
Comment: Variant summary: WDR42A c.1684C>T (p.Arg562X) results in a premature termination codon in the last exon, predicted to cause a truncation of the encoded protein and not expected to result in nonsense mediated decay . No downstream pathogenic variants have been observed. The variant was absent in 281070 control chromosomes. The available data on variant occurrences in the general population are insufficient to allow any conclusion about variant significance. To our knowledge, no occurrence of c.1684C>T in individuals affected with Giant Axonal Neuropathy 2 and no experimental evidence demonstrating its impact on protein function have been reported. No clinical diagnostic laboratories have submitted clinical-significance assessments for this variant to ClinVar after 2014. Based on the evidence outlined above, the variant was classified as uncertain significance.

NM_015726.4(DCAF8):c.1684C>T (p.Arg562Ter)

Gene: DCAF8 (DDB1 and CUL4 associated factor 8; minus strand). Cytogenetic location: 1q23.2.
Variant type: single nucleotide variant.
Coding change: c.1684C>T on transcript NM_015726.4 (MANE Select); coding-DNA position 1684, C replaced by T.
Protein change: p.Arg562Ter; replaces arginine 562 with a stop codon.
Molecular consequence: nonsense. On other transcripts: non-coding transcript variant (2).
Genome position (GRCh38, 1-based): chr1:160,217,702, G>A on the plus strand (C>T on the coding strand, the complement: DCAF8 is on the minus strand). VCF-style: chr1-160217702-G-A. GRCh37 (hg19) VCF-style: chr1-160187492-G-A.
Other names: short protein forms R562*.
Identifiers: ClinVar variation 2573583 (VCV002573583.1), dbSNP rs2525127828, ClinGen allele CA343273660.